The following is an entry in ClinVar:

ClinVar aggregate classification (germline): Conflicting classifications of pathogenicity. Review status: criteria provided, conflicting classifications (1 of 4 stars). 9 submissions from 9 submitters: Uncertain significance (6); Likely benign (3). Last evaluated 2025-11-08.

Conditions:
Hereditary breast ovarian cancer syndrome. Also called: Hereditary breast and ovarian cancer syndrome (HBOC); BRCA1- and BRCA2-Associated Hereditary Breast and Ovarian Cancer; Hereditary breast and/or ovarian cancer syndrome; Hereditary breast and ovarian cancer syndrome; Hereditary breast and ovarian cancer; Breast and ovarian cancer. Identifiers: Orphanet 145, MedGen C0677776, MeSH D061325, MONDO:0003582. Disease mechanism: loss of function.
Familial pancreatic carcinoma. Identifiers: Orphanet 1333, MedGen C2931038, MONDO:0015278, OMIM 260350.
Hereditary cancer-predisposing syndrome. Also called: Neoplastic Syndromes, Hereditary; Hereditary neoplastic syndrome; Tumor predisposition; Hereditary Cancer Syndrome. Identifiers: Orphanet 140162, MedGen C0027672, MeSH D009386, MONDO:0015356.
Breast-ovarian cancer, familial, susceptibility to, 1 (BROVCA1). Also called: BRCA1 Hereditary Breast and Ovarian Cancer; OVARIAN CANCER, SUSCEPTIBILITY TO. Identifiers: Orphanet 145, MedGen C2676676, MONDO:0011450, OMIM 604370. Disease mechanism: loss of function.

Allele frequency attached by ClinVar (database versions not stated): gnomAD exomes below 0.00001 and 0.00001; TOPMed below 0.00001; ExAC 0.00001.

Submissions (9):

Labcorp Genetics (formerly Invitae), Labcorp
Classification: Likely benign for Hereditary breast ovarian cancer syndrome. Last evaluated: 2025-11-08. Review status: criteria provided, single submitter. Criteria: Invitae Variant Classification Sherloc (09022015). Collection method: clinical testing. Allele origin: germline.

GeneDx
Classification: Uncertain significance. Last evaluated: 2025-06-30. Review status: criteria provided, single submitter. Criteria: GeneDx Variant Classification Process June 2021. Collection method: clinical testing. Allele origin: germline.
Comment: Observed in association with a personal and/or family history of breast and/or ovarian cancer (PMID: 28364669, 30159786, 31907386); Not observed at significant frequency in large population cohorts (gnomAD); In silico analysis supports that this missense variant has a deleterious effect on protein structure/function; Also known as 3528A>G; This variant is associated with the following publications: (PMID: 28364669, 30159786, 31911673, 32467295, 30415210, 29884841, 31907386, 31853058, 32377563, 35451682)

Department of Pathology and Laboratory Medicine, Sinai Health System
Classification: Likely benign for Familial pancreatic carcinoma. Last evaluated: 2024-07-08. Review status: criteria provided, single submitter. Criteria: ACMG Guidelines, 2015. Collection method: clinical testing. Allele origin: germline. Affected: yes.

Ambry Genetics
Classification: Uncertain significance for Hereditary cancer-predisposing syndrome. Last evaluated: 2023-11-22. Review status: criteria provided, single submitter. Criteria: Ambry Variant Classification Scheme 2023. Collection method: clinical testing. Allele origin: germline.
Comment: The p.M1137V variant (also known as c.3409A>G), located in coding exon 9 of the BRCA1 gene, results from an A to G substitution at nucleotide position 3409. The methionine at codon 1137 is replaced by valine, an amino acid with highly similar properties. This alteration was classified as likely benign by a multifactorial analysis incorporating co-occurrence, personal and family history, and tumor characteristic data (Lee JS et al. J. Med. Genet., 2018 Dec;55:794-802). This alteration has been identified in 1/157 Brazilian individuals with personal and/or family history of breast cancer who were tested with a multi-gene panel (de Souza Timoteo AR et al. Breast Cancer Res. Treat., 2018 Dec;172:637-646). This amino acid position is poorly conserved in available vertebrate species. In addition, the in silico prediction for this alteration is inconclusive. Since supporting evidence is limited at this time, the clinical significance of this alteration remains unclear.

University of Washington Department of Laboratory Medicine, University of Washington
Classification: Likely benign for Hereditary cancer-predisposing syndrome. Last evaluated: 2023-03-23. Review status: criteria provided, single submitter. Criteria: Dines et al. (Genet Med. 2020). Collection method: curation. Allele origin: germline.
Comment: Missense variant in a coldspot region where missense variants are very unlikely to be pathogenic (PMID:31911673).

BRCA1 coldspot (exon 11 using historical exon numbering). Reclassification based on statistical prior probability

All of Us Research Program, National Institutes of Health
Classification: Uncertain significance for Breast-ovarian cancer, familial, susceptibility to, 1. Last evaluated: 2023-03-07. Review status: criteria provided, single submitter. Criteria: ACMG Guidelines, 2015. Collection method: clinical testing. Allele origin: germline. Inheritance: Autosomal dominant inheritance. Observed: 1 variant allele, 1 heterozygote.
Comment: This missense variant replaces methionine with valine at codon 1137 of the BRCA1 protein. Computational prediction suggests that this variant may not impact protein structure and function (internally defined REVEL score threshold <= 0.5, PMID: 27666373). To our knowledge, functional studies have not been reported for this variant. This variant has been reported in an individual affected with breast and/or ovarian cancer (PMID: 28364669) and an individual with a personal or family history of breast cancer (PMID: 30159786). This variant also has been detected in a breast cancer case-control meta-analysis in 0/60466 cases and 3/53461 unaffected individuals (PMID: 33471991; Leiden Open Variation Database DB-ID BRCA1_002540). A multifactorial analysis has reported likelihood ratios for pathogenicity, including 0.013 and 13.316 for co-occurrence with a pathogenic co-variant and tumor pathology, respectively (PMID: 30415210). This variant has been identified in 2/250962 chromosomes in the general population by the Genome Aggregation Database (gnomAD). The available evidence is insufficient to determine the role of this variant in disease conclusively. Therefore, this variant is classified as a Variant of Uncertain Significance.

This study involves interpretation of variants in research participants for the purpose of population health screening. Participant phenotype was not available at the time of variant classification. Additional details can be found in publication PMID: 35346344, PMCID: PMC8962531

Color Diagnostics, LLC DBA Color Health
Classification: Uncertain significance for Hereditary cancer-predisposing syndrome. Last evaluated: 2023-02-08. Review status: criteria provided, single submitter. Criteria: ACMG Guidelines, 2015. Collection method: clinical testing. Allele origin: germline.
Comment: This missense variant replaces methionine with valine at codon 1137 of the BRCA1 protein. Computational prediction suggests that this variant may not impact protein structure and function (internally defined REVEL score threshold <= 0.5, PMID: 27666373). To our knowledge, functional studies have not been reported for this variant. This variant has been reported in an individual affected with breast and/or ovarian cancer (PMID: 28364669) and an individual with a personal or family history of breast cancer (PMID: 30159786). This variant also has been detected in a breast cancer case-control meta-analysis in 0/60466 cases and 3/53461 unaffected individuals (PMID: 33471991; Leiden Open Variation Database DB-ID BRCA1_002540). A multifactorial analysis has reported likelihood ratios for pathogenicity, including 0.013 and 13.316 for co-occurrence with a pathogenic co-variant and tumor pathology, respectively (PMID: 30415210). This variant has been identified in 2/250962 chromosomes in the general population by the Genome Aggregation Database (gnomAD). The available evidence is insufficient to determine the role of this variant in disease conclusively. Therefore, this variant is classified as a Variant of Uncertain Significance.

Quest Diagnostics Nichols Institute San Juan Capistrano
Classification: Uncertain significance. Last evaluated: 2020-05-29. Review status: criteria provided, single submitter. Criteria: Quest Diagnostics criteria. Collection method: clinical testing. Allele origin: unknown.

Women's Health and Genetics/Laboratory Corporation of America, LabCorp
Classification: Uncertain significance. Last evaluated: 2016-07-05. Review status: criteria provided, single submitter. Criteria: LabCorp Variant Classification Summary - May 2015. Collection method: clinical testing. Allele origin: germline.
Comment: Variant summary: The BRCA1 c.3409A>G (p.Met1137Val) variant involves the alteration of a non-conserved nucleotide. 3/4 in silico tools predict a benign outcome (SNPs&GO not captured due to low reliability index). Met1137 is not located in any known functional domain of the Breast cancer type 1 susceptibility protein and is not highly conserved across species. This variant was found in 1/121210 control chromosomes at a frequency of 0.0000083, which does not exceed the estimated maximal expected allele frequency of a pathogenic BRCA1 variant (0.0010005). The variant of interest has not, to our knowledge, been reported in affected individuals via publications nor evaluated for functional impact by in vivo/vitro studies. One database classified the variant as a VUS. In the absence of clinical information and functional studies, the variant was classified as a variant of uncertain significance (VUS) until additional information becomes available.

Literature cited by the submitters: PubMed 28364669 (cited by 4 submitters); PubMed 30159786 (cited by 5 submitters); PubMed 33471991 (cited by 3 submitters); PubMed 30415210 (cited by 4 submitters).

NM_007294.4(BRCA1):c.3409A>G (p.Met1137Val)

Genes: BRCA1 (BRCA1 DNA repair associated; minus strand), LOC126862571 (BRD4-independent group 4 enhancer GRCh37_chr17:41243136-41244335; plus strand). Cytogenetic location: 17q21.31.
Variant type: single nucleotide variant.
Coding change: c.3409A>G on transcript NM_007294.4 (MANE Select); coding-DNA position 3409, A replaced by G.
Protein change: p.Met1137Val; replaces methionine 1137 with valine.
Molecular consequence: missense variant. On other transcripts: intron variant (135).
Genome position (GRCh38, 1-based): chr17:43,092,122, T>C on the plus strand (A>G on the coding strand, the complement: BRCA1 is on the minus strand). VCF-style: chr17-43092122-T-C. GRCh37 (hg19) VCF-style: chr17-41244139-T-C.
Other names: c.578-1090A>G (NM_001408492.1, NM_001408513.1, NM_001408489.1 and 9 more transcripts); c.644-1090A>G (NM_001408468.1, NM_001408465.1, NM_001408463.1 and 3 more transcripts); c.524-1090A>G (NM_001408501.1, NM_001408500.1, NM_001408497.1 and 3 more transcripts); c.647-1090A>G (NM_001408455.1, NM_001408466.1, NM_001408452.1 and 11 more transcripts); c.521-1090A>G (NM_001408503.1, NM_001408505.1, NM_001408504.1); c.788-1090A>G (NM_001407973.1, NM_001408403.1, NM_001407983.1 and 17 more transcripts); c.404-1090A>G (NM_001408511.1); c.461-1090A>G (NM_001408507.1, NM_001408506.1); and 41 more; short protein forms M1137V, M1090V, M1025V, M1048V, M1066V, M1095V, M1096V, M841V.
Identifiers: ClinVar variation 462610 (VCV000462610.25), dbSNP rs771479616, ClinGen allele CA057871.
Genomic context (GRCh38, chr17:43,092,122, plus strand): 5'-CATCATCTAACAGGTCATCAGGTGTCTCAGAACAAACCTGAGATGCATGACTACTTCCCA[T>C]AGGCTGTTCTAAGTTATCTGAAATCAGATATGGAGAGAAATCTGTATTAACAGTCTGAAC-3'
Protein context (NP_009225.1, residues 1127-1147): YLISDNLEQP[Met1137Val]GSSHASQVCS